The following is an entry in ClinVar:

ClinVar aggregate classification (germline): Uncertain significance (1 of 4 stars; one submission).

Conditions:
Insulin-dependent diabetes mellitus secretory diarrhea syndrome (IPEX). Also called: X-Linked Autoimmunity-Allergic Dysregulation Syndrome; Immune dysregulation-polyendocrinopathy-enteropathy-X-linked syndrome; IPEX and IPEX-Like; Immunodysregulation, polyendocrinopathy, and enteropathy, X-linked; DIABETES MELLITUS, CONGENITAL INSULIN-DEPENDENT, WITH FATAL SECRETORY DIARRHEA; DIARRHEA, POLYENDOCRINOPATHY, FATAL INFECTION SYNDROME, X-LINKED. Identifiers: Orphanet 37042, MedGen C0342288, MONDO:0010580, OMIM 304790. Disease mechanism: loss of function.

Submission:

Labcorp Genetics (formerly Invitae), Labcorp
Classification: Uncertain significance for Insulin-dependent diabetes mellitus secretory diarrhea syndrome. Last evaluated: 2022-11-01. Review status: criteria provided, single submitter. Criteria: Invitae Variant Classification Sherloc (09022015). Collection method: clinical testing. Allele origin: germline.
Comment: In summary, the available evidence is currently insufficient to determine the role of this variant in disease. Therefore, it has been classified as a Variant of Uncertain Significance. Algorithms developed to predict the effect of missense changes on protein structure and function (SIFT, PolyPhen-2, Align-GVGD) all suggest that this variant is likely to be tolerated. This variant has not been reported in the literature in individuals affected with FOXP3-related conditions. This variant is not present in population databases (gnomAD no frequency). This sequence change replaces leucine, which is neutral and non-polar, with valine, which is neutral and non-polar, at codon 71 of the FOXP3 protein (p.Leu71Val).

NM_014009.4(FOXP3):c.211C>G (p.Leu71Val)

Gene: FOXP3 (forkhead box P3; minus strand). Cytogenetic location: Xp11.23.
Variant type: single nucleotide variant.
Coding change: c.211C>G on transcript NM_014009.4 (MANE Select); coding-DNA position 211, C replaced by G.
Protein change: p.Leu71Val; replaces leucine 71 with valine.
Molecular consequence: missense variant. On other transcripts: intron variant (1).
Genome position (GRCh38, 1-based): chrX:49,257,768, G>C on the plus strand (C>G on the coding strand, the complement: FOXP3 is on the minus strand). VCF-style: chrX-49257768-G-C. GRCh37 (hg19) VCF-style: chrX-49114225-G-C.
Other names: c.211-203C>G (NM_001114377.2); short protein forms L71V.
Identifiers: ClinVar variation 2811319 (VCV002811319.3), dbSNP rs1557116627, ClinGen allele CA412953701.